The following is an entry in ClinVar:

ClinVar aggregate classification (germline): Uncertain significance (1 of 4 stars; one submission).

Allele frequency attached by ClinVar (database versions not stated): gnomAD exomes below 0.00001; TOPMed 0.00001.
gnomAD v4.1: 1 of 1,614,058 alleles (0.000062%); highest among the groups gnomAD compares: Admixed American, 0.0017%; no homozygotes.

Submission:

Labcorp Genetics (formerly Invitae), Labcorp
Classification: Uncertain significance. Last evaluated: 2024-11-05. Review status: criteria provided, single submitter. Criteria: Invitae Variant Classification Sherloc (09022015). Collection method: clinical testing. Allele origin: germline.
Comment: This sequence change replaces histidine, which is basic and polar, with asparagine, which is neutral and polar, at codon 2256 of the ABCA4 protein (p.His2256Asn). This variant is not present in population databases (gnomAD no frequency). This variant has not been reported in the literature in individuals affected with ABCA4-related conditions. ClinVar contains an entry for this variant (Variation ID: 1505217). Invitae Evidence Modeling of protein sequence and biophysical properties (such as structural, functional, and spatial information, amino acid conservation, physicochemical variation, residue mobility, and thermodynamic stability) indicates that this missense variant is not expected to disrupt ABCA4 protein function with a negative predictive value of 95%. In summary, the available evidence is currently insufficient to determine the role of this variant in disease. Therefore, it has been classified as a Variant of Uncertain Significance.

NM_000350.3(ABCA4):c.6766C>A (p.His2256Asn)

Gene: ABCA4 (ATP binding cassette subfamily A member 4; minus strand). Cytogenetic location: 1p22.1.
Variant type: single nucleotide variant.
Coding change: c.6766C>A on transcript NM_000350.3 (MANE Select); coding-DNA position 6766, C replaced by A.
Protein change: p.His2256Asn; replaces histidine 2256 with asparagine.
Molecular consequence: missense variant.
Genome position (GRCh38, 1-based): chr1:93,996,159, G>T on the plus strand (C>A on the coding strand, the complement: ABCA4 is on the minus strand). VCF-style: chr1-93996159-G-T. GRCh37 (hg19) VCF-style: chr1-94461715-G-T.
Other names: c.6544C>A, p.His2182Asn (NM_001425324.1); short protein forms H2256N, H2182N.
Identifiers: ClinVar variation 1505217 (VCV001505217.5), dbSNP rs1658994254, ClinGen allele CA341275763.